The following is an entry in ClinVar:

NM_198576.4(AGRN):c.2726G>C (p.Gly909Ala)

Gene: AGRN (agrin; plus strand). Cytogenetic location: 1p36.33.
Variant type: single nucleotide variant.
Coding change: c.2726G>C on transcript NM_198576.4 (MANE Select); coding-DNA position 2726, G replaced by C.
Protein change: p.Gly909Ala; replaces glycine 909 with alanine.
Molecular consequence: missense variant.
Genome position (GRCh38, 1-based): chr1:1,046,009, G>C. VCF-style: chr1-1046009-G-C. GRCh37 (hg19) VCF-style: chr1-981389-G-C.
Other names: c.2726G>C, p.Gly909Ala (NM_001305275.2); c.2411G>C, p.Gly804Ala (NM_001364727.2); short protein forms G909A, G804A.
Identifiers: ClinVar variation 2063393 (VCV002063393.4), dbSNP rs1477955178, ClinGen allele CA337842703.

ClinVar aggregate classification (germline): Uncertain significance (1 of 4 stars; one submission).

Conditions:
Congenital myasthenic syndrome 8. Also called: MYASTHENIC SYNDROME, CONGENITAL, DUE TO AGRIN DEFICIENCY; Myasthenic syndrome, congenital, 8, with pre- and postsynaptic defects. Identifiers: Orphanet 590, MedGen C3808739, MONDO:0014052, OMIM 615120.

Submission:

Labcorp Genetics (formerly Invitae), Labcorp
Classification: Uncertain significance for Congenital myasthenic syndrome 8. Last evaluated: 2021-12-27. Review status: criteria provided, single submitter. Criteria: Invitae Variant Classification Sherloc (09022015). Collection method: clinical testing. Allele origin: germline.
Comment: In summary, the available evidence is currently insufficient to determine the role of this variant in disease. Therefore, it has been classified as a Variant of Uncertain Significance. Algorithms developed to predict the effect of missense changes on protein structure and function are either unavailable or do not agree on the potential impact of this missense change (SIFT: "Deleterious"; PolyPhen-2: "Possibly Damaging"; Align-GVGD: "Class C0"). This variant has not been reported in the literature in individuals affected with AGRN-related conditions. This variant is not present in population databases (gnomAD no frequency). This sequence change replaces glycine, which is neutral and non-polar, with alanine, which is neutral and non-polar, at codon 909 of the AGRN protein (p.Gly909Ala).